The following is an entry in ClinVar:

NM_012140.5(SLC25A10):c.642G>A (p.Thr214=)

Gene: SLC25A10 (solute carrier family 25 member 10; plus strand). Cytogenetic location: 17q25.3.
Variant type: single nucleotide variant.
Coding change: c.642G>A on transcript NM_012140.5 (MANE Select); coding-DNA position 642, G replaced by A.
Protein change: p.Thr214=; no amino-acid change (threonine 214 retained).
Molecular consequence: synonymous variant. On other transcripts: missense variant (1).
Genome position (GRCh38, 1-based): chr17:81,717,798, G>A. VCF-style: chr17-81717798-G-A. GRCh37 (hg19) VCF-style: chr17-79684828-G-A.
Other names: c.669G>A, p.Thr223= (NM_001270888.2); c.559G>A, p.Val187Ile (NM_001270953.2); short protein forms V187I.
Identifiers: ClinVar variation 4883380 (VCV004883380.2).

ClinVar aggregate classification (germline): Uncertain significance (1 of 4 stars; one submission).

Submission:

Dasa
Classification: Uncertain significance. Last evaluated: 2025-10-16. Review status: criteria provided, single submitter. Criteria: DASA Assertion Criteria. Collection method: clinical testing. Allele origin: germline.
Comment: NM_001270953.2(SLC25A10):c.559G>A (p.Val187Ile) is a missense variant that results in the substitution of valine with isoleucine. This variant is rare in population databases. The currently available literature and clinical evidence are not sufficient to establish a definitive association between this variant and the reported condition. Therefore, this variant is classified as a variant of uncertain significance.